The following is an entry in ClinVar:

ClinVar aggregate classification (germline): Uncertain significance (1 of 4 stars; one submission).

Conditions:
Hereditary cancer-predisposing syndrome. Also called: Tumor predisposition; Hereditary Cancer Syndrome; Hereditary neoplastic syndrome; Neoplastic Syndromes, Hereditary. Identifiers: Orphanet 140162, MedGen C0027672, MeSH D009386, MONDO:0015356.

Submission:

Ambry Genetics
Classification: Uncertain significance for Hereditary cancer-predisposing syndrome. Last evaluated: 2024-05-05. Review status: criteria provided, single submitter. Criteria: Ambry Variant Classification Scheme 2023. Collection method: clinical testing. Allele origin: germline.
Comment: The p.Y321S variant (also known as c.962A>C), located in coding exon 1 of the MET gene, results from an A to C substitution at nucleotide position 962. The tyrosine at codon 321 is replaced by serine, an amino acid with dissimilar properties. This amino acid position is conserved. In addition, the in silico prediction for this alteration is inconclusive. Based on the available evidence, the clinical significance of this variant remains unclear.

NM_000245.4(MET):c.962A>C (p.Tyr321Ser)

Gene: MET (MET proto-oncogene, receptor tyrosine kinase; plus strand). Cytogenetic location: 7q31.2.
Variant type: single nucleotide variant.
Coding change: c.962A>C on transcript NM_000245.4 (MANE Select); coding-DNA position 962, A replaced by C.
Protein change: p.Tyr321Ser; replaces tyrosine 321 with serine.
Molecular consequence: missense variant. On other transcripts: intron variant (1).
Genome position (GRCh38, 1-based): chr7:116,700,046, A>C. VCF-style: chr7-116700046-A-C. GRCh37 (hg19) VCF-style: chr7-116340100-A-C.
Other names: c.962A>C, p.Tyr321Ser (NM_001127500.3, NM_001324401.3); c.-91+27469A>C (NM_001324402.2); short protein forms Y321S.
Identifiers: ClinVar variation 3294355 (VCV003294355.1).